The following is an entry in ClinVar:

NM_003924.4(PHOX2B):c.428A>G (p.Gln143Arg)

Gene: PHOX2B (paired like homeobox 2B; minus strand). Cytogenetic location: 4p13.
Variant type: single nucleotide variant.
Coding change: c.428A>G on transcript NM_003924.4 (MANE Select); coding-DNA position 428, A replaced by G.
Protein change: p.Gln143Arg; replaces glutamine 143 with arginine.
Molecular consequence: missense variant.
Genome position (GRCh38, 1-based): chr4:41,747,350, T>C on the plus strand (A>G on the coding strand, the complement: PHOX2B is on the minus strand). VCF-style: chr4-41747350-T-C. GRCh37 (hg19) VCF-style: chr4-41749367-T-C.
Other names: short protein forms Q143R.
Identifiers: ClinVar variation 1739403 (VCV001739403.2), dbSNP rs2552097009, ClinGen allele CA356739733.

ClinVar aggregate classification (germline): Pathogenic (1 of 4 stars; one submission).

Conditions:
Hereditary cancer-predisposing syndrome. Also called: Hereditary Cancer Syndrome; Hereditary neoplastic syndrome; Neoplastic Syndromes, Hereditary; Tumor predisposition. Identifiers: Orphanet 140162, MedGen C0027672, MeSH D009386, MONDO:0015356.

Submission:

Ambry Genetics
Classification: Pathogenic for Hereditary cancer-predisposing syndrome. Last evaluated: 2020-02-24. Review status: criteria provided, single submitter. Criteria: Ambry Variant Classification Scheme 2023. Collection method: clinical testing. Allele origin: germline.
Comment: The p.Q143R pathogenic mutation (also known as c.c.428A>G), located in coding exon 2 of the PHOX2B gene, results from an A to G substitution at nucleotide position 428. The glutamine at codon 143 is replaced by arginine, an amino acid with highly similar properties. This alteration was detected in unrelated pediatric patients affected by congenital central hypoventilation syndrome and Hischprung disease, including two infants with likely de novo occurrence of this mutation (Trochet D et al, Am J Hum Genet. 2005 Mar;76(3):421-6; Berry-Kravis et al, Am J Respir Crit Care Med 2006, 174:1139-1144). This amino acid position is highly conserved in available vertebrate species. In addition, this alteration is predicted to be deleterious by in silico analysis. Based on the supporting evidence, this alteration is interpreted as a disease-causing mutation.